The following is an entry in ClinVar:

ClinVar aggregate classification (germline): Uncertain significance (1 of 4 stars; one submission).

Submission:

Ambry Genetics
Classification: Uncertain significance. Last evaluated: 2021-07-13. Review status: criteria provided, single submitter. Criteria: Ambry Variant Classification Scheme 2023. Collection method: clinical testing. Allele origin: germline.
Comment: The p.A677S variant (also known as c.2029G>T), located in coding exon 4 of the ALPK2 gene, results from a G to T substitution at nucleotide position 2029. The alanine at codon 677 is replaced by serine, an amino acid with similar properties. This amino acid position is conserved. In addition, this alteration is predicted to be tolerated by in silico analysis. Since supporting evidence is limited at this time, the clinical significance of this alteration remains unclear.

NM_052947.4(ALPK2):c.2029G>T (p.Ala677Ser)

Gene: ALPK2 (alpha kinase 2; minus strand). Cytogenetic location: 18q21.31.
Variant type: single nucleotide variant.
Coding change: c.2029G>T on transcript NM_052947.4 (MANE Select); coding-DNA position 2029, G replaced by T.
Protein change: p.Ala677Ser; replaces alanine 677 with serine.
Molecular consequence: missense variant.
Genome position (GRCh38, 1-based): chr18:58,538,158, C>A on the plus strand (G>T on the coding strand, the complement: ALPK2 is on the minus strand). VCF-style: chr18-58538158-C-A. GRCh37 (hg19) VCF-style: chr18-56205390-C-A.
Other names: short protein forms A677S.
Identifiers: ClinVar variation 1784714 (VCV001784714.2), dbSNP rs546781116, ClinGen allele CA402571859.